The following is an entry in ClinVar:

ClinVar aggregate classification (germline): Likely pathogenic (1 of 4 stars; one submission).

Submission:

Labcorp Genetics (formerly Invitae), Labcorp
Classification: Likely pathogenic. Last evaluated: 2019-09-26. Review status: criteria provided, single submitter. Criteria: Invitae Variant Classification Sherloc (09022015). Collection method: clinical testing. Allele origin: unknown.
Comment: This variant has not been reported in the literature in individuals with POGLUT1-related conditions. This variant is a deletion of the genomic region encompassing part of exon 5 (c.511_578+1599del) of the POGLUT1 gene. It is expected to disrupt RNA splicing and likely results in an absent or disrupted protein product. Loss-of-function variants in POGLUT1 are known to be pathogenic (PMID: 24387993). In summary, the currently available evidence indicates that the variant is pathogenic, but additional data are needed to prove that conclusively. Therefore, this variant has been classified as Likely Pathogenic.

Literature cited by the submitters: PubMed 24387993.

NC_000003.11:g.(?_119198952)_(119200618_?)del

Gene: POGLUT1 (protein O-glucosyltransferase 1; plus strand). Cytogenetic location: 3q13.33.
Variant type: Deletion.
Identifiers: ClinVar variation 3247059 (VCV003247059.1).